The following is an entry in ClinVar:

ClinVar aggregate classification (germline): Uncertain significance (1 of 4 stars; one submission).

Conditions:
Ehlers-Danlos syndrome, type 4 (EDSVASC). Also called: Ehlers-Danlos Syndrome Type IV; Ehlers-Danlos syndrome vascular type; Ehlers Danlos syndrome, ecchymotic type; Ehlers Danlos syndrome, arterial type; Ehlers Danlos syndrome, Sack-Barabas type. Identifiers: Orphanet 286, MedGen C0268338, MONDO:0017314, OMIM 130050.

Submission:

Labcorp Genetics (formerly Invitae), Labcorp
Classification: Uncertain significance for Ehlers-Danlos syndrome, type 4. Last evaluated: 2023-09-08. Review status: criteria provided, single submitter. Criteria: Invitae Variant Classification Sherloc (09022015). Collection method: clinical testing. Allele origin: germline.
Comment: In summary, the available evidence is currently insufficient to determine the role of this variant in disease. Therefore, it has been classified as a Variant of Uncertain Significance. Experimental studies and prediction algorithms are not available or were not evaluated, and the functional significance of this variant is currently unknown. This variant has not been reported in the literature in individuals affected with COL3A1-related conditions. This variant is not present in population databases (gnomAD no frequency). This variant, c.2958_2959insCGT, results in the insertion of 1 amino acid(s) of the COL3A1 protein (p.Asn986_Gly987insArg), but otherwise preserves the integrity of the reading frame.

NM_000090.4(COL3A1):c.2958_2959insCGT (p.Asn986_Gly987insArg)

Gene: COL3A1 (collagen type III alpha 1 chain; plus strand). Cytogenetic location: 2q32.2.
Variant type: Insertion.
Coding change: c.2958_2959insCGT on transcript NM_000090.4 (MANE Select); coding-DNA positions 2958 to 2959, CGT inserted.
Protein change: p.Asn986_Gly987insArg.
Molecular consequence: inframe insertion.
Genome position: GRCh38 VCF-style: chr2-189005376-C-CCGT. GRCh37 (hg19) VCF-style: chr2-189870102-C-CCGT.
Identifiers: ClinVar variation 2758722 (VCV002758722.3), dbSNP rs2469156290, ClinGen allele CA2697551442.
Genomic context (GRCh38, chr2:189,005,376, plus strand): 5'-TGAAACAAAATGTTTTTCATTCCTTTGTATACAGGGTGAAAGTGGGAAACCAGGAGCTAA[C>CCGT]GGTCTCAGTGGAGAACGTGGTCCCCCTGGACCCCAGGGTCTTCCTGGTCTGGCTGGTACA-3'